The following is an entry in ClinVar:

ClinVar aggregate classification (germline): Benign. Review status: criteria provided, multiple submitters, no conflicts (2 of 4 stars). 7 submissions from 7 submitters: Benign (7). Last evaluated 2026-02-04.

Conditions:
Methylmalonic acidemia with homocystinuria, type cblJ (MAHCJ). Also called: METHYLMALONIC ACIDURIA AND HOMOCYSTINURIA, cblJ TYPE. Identifiers: Orphanet 369955, MedGen C3553915, MONDO:0013925, OMIM 614857.

Allele frequency attached by ClinVar (database versions not stated): 1000 Genomes Project 30x 0.25859; 1000 Genomes Project 0.26298; TOPMed 0.29266; gnomAD 0.29827 and 0.30042; ESP Exome Variant Server 0.29925; ExAC 0.32435; gnomAD exomes 0.32437.
gnomAD v4.1: 560,328 of 1,613,252 alleles (35%); highest among the groups gnomAD compares: Middle Eastern, 53%; 100,815 homozygotes.

Submissions (7):

Labcorp Genetics (formerly Invitae), Labcorp
Classification: Benign for Methylmalonic acidemia with homocystinuria, type cblJ. Last evaluated: 2026-02-04. Review status: criteria provided, single submitter. Criteria: Invitae Variant Classification Sherloc (09022015). Collection method: clinical testing. Allele origin: germline.

Blueprint Genetics
Classification: Benign. Last evaluated: 2024-11-27. Review status: criteria provided, single submitter. Criteria: ACMG Guidelines, 2015. Collection method: clinical testing. Allele origin: germline.

Mayo Clinic Laboratories, Mayo Clinic
Classification: Benign. Last evaluated: 2022-03-31. Review status: criteria provided, single submitter. Criteria: ACMG Guidelines, 2015. Collection method: clinical testing. Allele origin: germline. Observed: 64 variant alleles.

Genome-Nilou Lab
Classification: Benign for Methylmalonic acidemia with homocystinuria, type cblJ. Last evaluated: 2021-07-14. Review status: criteria provided, single submitter. Criteria: ACMG Guidelines, 2015. Collection method: clinical testing. Allele origin: germline. Affected: no.

GeneDx
Classification: Benign. Last evaluated: 2015-12-02. Review status: criteria provided, single submitter. Criteria: GeneDx Variant Classification (06012015). Collection method: clinical testing. Allele origin: germline. Affected: yes.
Comment: This variant is considered likely benign or benign based on one or more of the following criteria: it is a conservative change, it occurs at a poorly conserved position in the protein, it is predicted to be benign by multiple in silico algorithms, and/or has population frequency not consistent with disease.

Breakthrough Genomics
Classification: Benign. Review status: criteria provided, single submitter. Criteria: ACMG Guidelines, 2015. Collection method: not provided. Allele origin: germline. Inheritance: Autosomal recessive inheritance. Affected: yes.

PreventionGenetics, part of Exact Sciences
Classification: Benign. Review status: criteria provided, single submitter. Criteria: ACMG Guidelines, 2015. Collection method: clinical testing. Allele origin: germline.

NM_005050.4(ABCD4):c.981C>A (p.Leu327=)

Gene: ABCD4 (ATP binding cassette subfamily D member 4; minus strand). Cytogenetic location: 14q24.3.
Variant type: single nucleotide variant.
Coding change: c.981C>A on transcript NM_005050.4 (MANE Select); coding-DNA position 981, C replaced by A.
Protein change: p.Leu327=; no amino-acid change (leucine 327 retained).
Molecular consequence: synonymous variant. On other transcripts: non-coding transcript variant (10).
Genome position (GRCh38, 1-based): chr14:74,292,598, G>T on the plus strand (C>A on the coding strand, the complement: ABCD4 is on the minus strand). VCF-style: chr14-74292598-G-T. GRCh37 (hg19) VCF-style: chr14-74759301-G-T.
Other names: p.Leu327=; c.855C>A, p.Leu285= (NM_001353591.2, NM_001353592.2); c.720C>A, p.Leu240= (NM_001353593.2); c.669C>A, p.Leu223= (NM_001353594.2); c.567C>A, p.Leu189= (NM_001353595.2, NM_001353596.2); c.516C>A, p.Leu172= (NM_001353597.2); c.504C>A, p.Leu168= (NM_001353598.2, NM_001353599.2, NM_001353600.2 and 2 more transcripts); c.192C>A, p.Leu64= (NM_001353602.2, NM_001353603.2, NM_001353604.2 and 6 more transcripts); and 1 more.
Identifiers: ClinVar variation 259622 (VCV000259622.16), dbSNP rs4148078, ClinGen allele CA7266985.
Genomic context (GRCh38, chr14:74,292,598, plus strand): 5'-GACACGGCCTCACCTGTGCGTGTAGCCAGCCACATCTGAGAGCGTCGTGGACAGGTCGAT[G>T]AGCTGGGTGAAGCAGCTGATGAGGTAGATGCACACAAAGGCATTCTGGACAGGATGGGAA-3'
Protein context (NP_005041.1, residues 317-337): CIYLISCFTQ[Leu327=]IDLSTTLSDV